The following is an entry in ClinVar:

NM_004385.5(VCAN):c.6771A>T (p.Gly2257=)

Genes: VCAN (versican; plus strand), VCAN-AS1 (VCAN antisense RNA 1; minus strand). Cytogenetic location: 5q14.3.
Variant type: single nucleotide variant.
Coding change: c.6771A>T on transcript NM_004385.5 (MANE Select); coding-DNA position 6771, A replaced by T.
Protein change: p.Gly2257=; no amino-acid change (glycine 2257 retained).
Molecular consequence: synonymous variant. On other transcripts: intron variant (2).
Genome position (GRCh38, 1-based): chr5:83,539,774, A>T. VCF-style: chr5-83539774-A-T. GRCh37 (hg19) VCF-style: chr5-82835593-A-T.
Other names: c.3810A>T, p.Gly1270= (NM_001164097.2); c.4004-5763A>T (NM_001164098.2); c.1043-5763A>T (NM_001126336.3); c.6771A>T (NM_004385.4).
Identifiers: ClinVar variation 1123396 (VCV001123396.12), dbSNP rs766368686, ClinGen allele CA3333526.

ClinVar aggregate classification (germline): Likely benign. Review status: criteria provided, multiple submitters, no conflicts (2 of 4 stars). 3 submissions from 3 submitters: Likely benign (2). 1 of the submissions does not count toward it. Last evaluated 2025-10-21.

Conditions:
VCAN-related disorder. Also called: VCAN-related condition.

Allele frequency attached by ClinVar (database versions not stated): ExAC 0.00002; TOPMed 0.00002.
gnomAD v4.1: 17 of 1,614,026 alleles (0.0011%); highest among the groups gnomAD compares: Admixed American, 0.028%; no homozygotes.

Submissions (3):

Labcorp Genetics (formerly Invitae), Labcorp
Classification: Likely benign. Last evaluated: 2025-10-21. Review status: criteria provided, single submitter. Criteria: Invitae Variant Classification Sherloc (09022015). Collection method: clinical testing. Allele origin: germline.

Blueprint Genetics
Classification: Likely benign. Last evaluated: 2022-06-20. Review status: criteria provided, single submitter. Criteria: ACMG Guidelines, 2015. Collection method: clinical testing. Allele origin: germline.

PreventionGenetics, part of Exact Sciences
Classification: Likely benign for VCAN-related condition. Last evaluated: 2023-08-11. Review status: no assertion criteria provided. Collection method: clinical testing. Allele origin: germline. Not counted in ClinVar's aggregate classification.
Comment: This variant is classified as likely benign based on ACMG/AMP sequence variant interpretation guidelines (Richards et al. 2015 PMID: 25741868, with internal and published modifications).